The following is an entry in ClinVar:

ClinVar aggregate classification (germline): Pathogenic (1 of 4 stars; one submission).

Conditions:
Combined oxidative phosphorylation defect type 17. Also called: Combined oxidative phosphorylation deficiency 17. Identifiers: Orphanet 369913, MedGen C3809526, MONDO:0014190, OMIM 615440.

Submission:

Labcorp Genetics (formerly Invitae), Labcorp
Classification: Pathogenic for Combined oxidative phosphorylation defect type 17. Last evaluated: 2023-08-30. Review status: criteria provided, single submitter. Criteria: Invitae Variant Classification Sherloc (09022015). Collection method: clinical testing. Allele origin: germline.
Comment: For these reasons, this variant has been classified as Pathogenic. This variant has not been reported in the literature in individuals affected with ELAC2-related conditions. This variant is not present in population databases (gnomAD no frequency). This sequence change creates a premature translational stop signal (p.Leu100Phefs*18) in the ELAC2 gene. It is expected to result in an absent or disrupted protein product. Loss-of-function variants in ELAC2 are known to be pathogenic (PMID: 27769300, 31045291).

Literature cited by the submitters: PubMed 27769300; PubMed 31045291.

NM_018127.7(ELAC2):c.299dup (p.Leu100fs)

Gene: ELAC2 (elaC ribonuclease Z 2; minus strand). Cytogenetic location: 17p12.
Variant type: Duplication.
Coding change: c.299dup on transcript NM_018127.7 (MANE Select); coding-DNA position 299, one base duplicated (T; older notation c.299dupT).
Protein change: p.Leu100fs; shifts the reading frame from leucine 100.
Molecular consequence: frameshift variant.
Genome position (GRCh38, 1-based): chr17:13,016,930, A duplicated on the plus strand (T on the coding strand, the reverse complement: ELAC2 is on the minus strand); the first of 2 consecutive A bases (chr17:13,016,930-13,016,931); duplicating either gives the same sequence. VCF-style (leftmost placement, unchanged base first): chr17-13016929-T-TA. GRCh37 (hg19) VCF-style: chr17-12920246-T-TA.
Other names: c.299dup, p.Leu100fs (NM_001165962.2, NM_173717.2); short protein forms L100fs.
Identifiers: ClinVar variation 2756840 (VCV002756840.3), dbSNP rs2508390123, ClinGen allele CA2697559431.